The following is an entry in ClinVar:

ClinVar aggregate classification (germline): Benign/Likely benign. Review status: criteria provided, multiple submitters, no conflicts (2 of 4 stars). 4 submissions from 4 submitters: Benign (2); Likely benign (2). Last evaluated 2026-07-01.

Conditions:
ALG11-congenital disorder of glycosylation. Also called: CONGENITAL DISORDER OF GLYCOSYLATION, TYPE Ip; ALG11-CDG. Identifiers: Orphanet 280071, MedGen C3150913, MONDO:0013349, OMIM 613661.

Allele frequency attached by ClinVar (database versions not stated): gnomAD 0.00031 and 0.00055; TOPMed 0.00038; gnomAD exomes 0.00091 and 0.00043; ExAC 0.00098; 1000 Genomes Project 30x 0.00250; 1000 Genomes Project 0.00300.
gnomAD v4.1: 727 of 1,613,970 alleles (0.045%); highest among the groups gnomAD compares: East Asian, 1.3%; 7 homozygotes.

Submissions (4):

CeGaT Center for Human Genetics Tuebingen
Classification: Likely benign. Last evaluated: 2026-07-01. Review status: criteria provided, single submitter. Criteria: CeGaT Center For Human Genetics Tuebingen Variant Classification Criteria Version 2. Collection method: clinical testing. Allele origin: germline. Affected: yes. Observed: 1 variant allele.
Comment: UTP14C: BS1; ALG11: BP4, BP7, BS1

Labcorp Genetics (formerly Invitae), Labcorp
Classification: Benign for ALG11-congenital disorder of glycosylation. Last evaluated: 2026-01-15. Review status: criteria provided, single submitter. Criteria: Invitae Variant Classification Sherloc (09022015). Collection method: clinical testing. Allele origin: germline.

GeneDx
Classification: Likely benign. Last evaluated: 2017-05-12. Review status: criteria provided, single submitter. Criteria: GeneDx Variant Classification (06012015). Collection method: clinical testing. Allele origin: germline. Affected: yes.
Comment: This variant is considered likely benign or benign based on one or more of the following criteria: it is a conservative change, it occurs at a poorly conserved position in the protein, it is predicted to be benign by multiple in silico algorithms, and/or has population frequency not consistent with disease.

Illumina Laboratory Services, Illumina
Classification: Benign for ALG11-congenital disorder of glycosylation. Last evaluated: 2017-04-27. Review status: criteria provided, single submitter. Criteria: ICSL Variant Classification Criteria 13 December 2019. Collection method: clinical testing. Allele origin: germline.
Comment: This variant was observed as part of a predisposition screen in an ostensibly healthy population. A literature search was performed for the gene, cDNA change, and amino acid change (where applicable). No publications were found based on this search. Allele frequency data from public databases was too high to be consistent with this variant causing disease. Therefore, this variant is classified as benign.

NM_001004127.3(ALG11):c.1107T>C (p.Tyr369=)

Genes: ALG11 (ALG11 alpha-1,2-mannosyltransferase; plus strand), UTP14C (UTP14C small subunit processome component; plus strand). Cytogenetic location: 13q14.3.
Variant type: single nucleotide variant.
Coding change: c.1107T>C on transcript NM_001004127.3 (MANE Select); coding-DNA position 1107, T replaced by C.
Protein change: p.Tyr369=; no amino-acid change (tyrosine 369 retained).
Molecular consequence: synonymous variant. On other transcripts: 5 prime UTR variant (1).
Genome position (GRCh38, 1-based): chr13:52,024,837, T>C. VCF-style: chr13-52024837-T-C. GRCh37 (hg19) VCF-style: chr13-52598973-T-C.
Other names: c.-587T>C (NM_021645.6).
Identifiers: ClinVar variation 509279 (VCV000509279.16), dbSNP rs146432805, ClinGen allele CA6990020.
Genomic context (GRCh38, chr13:52,024,837, plus strand): 5'-TGATGAACTTAGGGTAAACCAACTGAGAAGGCTGTCTGAGGATTTAGGAGTTCAAGAATA[T>C]GTGGAATTTAAAATAAACATTCCATTTGATGAATTAAAGAATTATTTGTCTGAAGCAACA-3'
Protein context (NP_001004127.2, residues 359-379): RLSEDLGVQE[Tyr369=]VEFKINIPFD